The following is an entry in ClinVar:

NM_001754.5(RUNX1):c.967_968insATCAA (p.Thr323fs)

Gene: RUNX1 (RUNX family transcription factor 1; minus strand). Cytogenetic location: 21q22.12.
Variant type: Insertion.
Coding change: c.967_968insATCAA on transcript NM_001754.5 (MANE Select); coding-DNA positions 967 to 968, ATCAA inserted.
Protein change: p.Thr323fs; shifts the reading frame from threonine 323.
Molecular consequence: frameshift variant.
Genome position: GRCh38 VCF-style: chr21-34799300-C-CTTGAT. GRCh37 (hg19) VCF-style: chr21-36171597-C-CTTGAT.
Other names: NM_001754.5(RUNX1):c.967_968insATCAA; p.Thr323fs; c.886_887insATCAA, p.Thr296fs (NM_001001890.3); short protein forms T296fs, T323fs.
Identifiers: ClinVar variation 3766477 (VCV003766477.3).
Genomic context (GRCh38, chr21:34,799,300, plus strand): 5'-CTAGTCTCCTGGACCTTCCACCCCAGCTCAGCTGCAAAGAATGTGTTTTCAAGTGGCTTA[C>CTTGAT]TTGAGAGTCGACTGGAAAGTTCTGCAGAGAGGGTTGTCATGCCGCTGGCACGTCCAGGTG-3'

ClinVar aggregate classification (germline): Likely pathogenic. Review status: reviewed by expert panel (3 of 4 stars). 2 submissions from 2 submitters: Likely pathogenic (1). 1 of the submissions does not count toward it. Last evaluated 2026-10-05.

Conditions:
Hereditary thrombocytopenia and hematologic cancer predisposition syndrome. Identifiers: Orphanet 71290, MedGen CN281654, MONDO:0011071.

Submissions (2):

ClinGen Myeloid Malignancy Variant Curation Expert Panel
Classification: Likely pathogenic for Hereditary thrombocytopenia and hematologic cancer predisposition syndrome. Last evaluated: 2026-10-05. Review status: reviewed by expert panel. Criteria: ClinGen MyeloMalig ACMG Specifications V3.1. Collection method: curation. Allele origin: germline. Inheritance: Autosomal dominant inheritance.
Comment: NM_001754.5(RUNX1):c.967_968insATCAA (p.Thr323fs) is a frameshift variant which is not predicted to undergo NMD (PVS1_Strong). This variant is downstream of c.98 (PM5_Supporting) and is completely absent from all population databases with at least 20x coverage for RUNX1 (PM2_Supporting). In summary, this variant meets criteria to be classified as likely pathogenic. ACMG/AMP criteria applied, as specified by the ClinGen Myeloid Malignancy Variant Curation Expert Panel for RUNX1: PVS1_Strong, PM5_Supporting, PM2_Supporting.

ARUP Laboratories, Molecular Genetics and Genomics, ARUP Laboratories
Classification: Likely pathogenic. Last evaluated: 2024-02-23. Review status: criteria provided, single submitter. Criteria: ARUP Molecular Germline Variant Investigation Process 2024. Collection method: clinical testing. Allele origin: germline. Not counted in ClinVar's aggregate classification.
Comment: The RUNX1 c.967_967+1insATCAA variant, to our knowledge, is not reported in the medical literature or gene specific databases. This variant is also absent from the Genome Aggregation Database (v2.1.1), indicating it is not a common polymorphism. This variant disrupts the canonical splice donor site of intron 8, which is likely to negatively impact gene function. Based on available information, this variant is considered to be likely pathogenic.